The following is an entry in ClinVar:

ClinVar aggregate classification (germline): Benign/Likely benign. Review status: criteria provided, multiple submitters, no conflicts (2 of 4 stars). 3 submissions from 3 submitters: Benign (1); Likely benign (2). Last evaluated 2024-03-01.

Conditions:
Hereditary cancer-predisposing syndrome. Also called: Tumor predisposition; Hereditary neoplastic syndrome; Neoplastic Syndromes, Hereditary; Hereditary Cancer Syndrome. Identifiers: Orphanet 140162, MedGen C0027672, MeSH D009386, MONDO:0015356.
Familial adenomatous polyposis 1 (FAP1). Also called: FAMILIAL ADENOMATOUS POLYPOSIS 1, ATTENUATED; POLYPOSIS, ADENOMATOUS INTESTINAL. Identifiers: MedGen C2713442, MONDO:0021056, OMIM 175100. Disease mechanism: loss of function.

Allele frequency attached by ClinVar (database versions not stated): gnomAD exomes below 0.00001.
gnomAD v4.1: 3 of 1,613,540 alleles (0.00019%); highest among the groups gnomAD compares: African/African-American, 0.0027%; no homozygotes.

Submissions (3):

Myriad Genetics, Inc.
Classification: Benign for Familial adenomatous polyposis 1. Last evaluated: 2024-03-01. Review status: criteria provided, single submitter. Criteria: Myriad Autosomal Dominant, Autosomal Recessive and X-Linked Classification Criteria (2023). Collection method: clinical testing. Allele origin: unknown.
Comment: This variant is considered benign. This variant is a silent/synonymous amino acid change and it is not expected to impact splicing.

Labcorp Genetics (formerly Invitae), Labcorp
Classification: Likely benign for Familial adenomatous polyposis 1. Last evaluated: 2023-01-14. Review status: criteria provided, single submitter. Criteria: Invitae Variant Classification Sherloc (09022015). Collection method: clinical testing. Allele origin: germline.

Ambry Genetics
Classification: Likely benign for Hereditary cancer-predisposing syndrome. Last evaluated: 2019-06-21. Review status: criteria provided, single submitter. Criteria: Ambry Variant Classification Scheme 2023. Collection method: clinical testing. Allele origin: germline.

NM_000038.6(APC):c.1353T>C (p.Cys451=)

Gene: APC (APC regulator of Wnt signaling pathway; plus strand). Cytogenetic location: 5q22.2.
Variant type: single nucleotide variant.
Coding change: c.1353T>C on transcript NM_000038.6 (MANE Select); coding-DNA position 1353, T replaced by C.
Protein change: p.Cys451=; no amino-acid change (cysteine 451 retained).
Molecular consequence: synonymous variant.
Genome position (GRCh38, 1-based): chr5:112,821,936, T>C. VCF-style: chr5-112821936-T-C. GRCh37 (hg19) VCF-style: chr5-112157633-T-C.
Other names: c.1353T>C, p.Cys451= (NM_001127510.3, NM_001354895.2, NM_001354896.2); c.1299T>C, p.Cys433= (NM_001127511.3); c.1383T>C, p.Cys461= (NM_001354897.2); c.1278T>C, p.Cys426= (NM_001354898.2); c.1269T>C, p.Cys423= (NM_001354899.2); c.1176T>C, p.Cys392= (NM_001354900.2, NM_001354901.2); c.1080T>C, p.Cys360= (NM_001354902.2); c.1050T>C, p.Cys350= (NM_001354903.2); and 3 more.
Identifiers: ClinVar variation 818988 (VCV000818988.9), dbSNP rs1387916046, ClinGen allele CA445755857.